The following is an entry in ClinVar:

NM_000642.3(AGL):c.112A>G (p.Thr38Ala)

Gene: AGL (amylo-alpha-1,6-glucosidase and 4-alpha-glucanotransferase; plus strand). Cytogenetic location: 1p21.2.
Variant type: single nucleotide variant.
Coding change: c.112A>G on transcript NM_000642.3 (MANE Select); coding-DNA position 112, A replaced by G.
Protein change: p.Thr38Ala; replaces threonine 38 with alanine.
Molecular consequence: missense variant.
Genome position (GRCh38, 1-based): chr1:99,861,532, A>G. VCF-style: chr1-99861532-A-G. GRCh37 (hg19) VCF-style: chr1-100327088-A-G.
Other names: c.112A>G, p.Thr38Ala (NM_001425327.1, NM_001425328.1, NM_001425329.1 and 5 more transcripts); c.64A>G, p.Thr22Ala (NM_000646.3); short protein forms T38A, T22A.
Identifiers: ClinVar variation 256718 (VCV000256718.59), dbSNP rs35278779, ClinGen allele CA966066.

ClinVar aggregate classification (germline): Benign/Likely benign. Review status: criteria provided, multiple submitters, no conflicts (2 of 4 stars). 13 submissions from 13 submitters: Benign (8); Likely benign (3). 2 of the submissions do not count toward it. Last evaluated 2026-02-03.

Conditions:
Glycogen storage disease type III (GSD3). Also called: FORBES DISEASE; Cori disease. Identifiers: Orphanet 366, MedGen C0017922, MONDO:0009291, OMIM 232400.

Allele frequency attached by ClinVar (database versions not stated): ExAC 0.00471; gnomAD 0.01398 and 0.01527; TOPMed 0.01529; 1000 Genomes Project 0.01677; 1000 Genomes Project 30x 0.01765; ESP Exome Variant Server 0.01776.
gnomAD v4.1: 4,303 of 1,614,008 alleles (0.27%); highest among the groups gnomAD compares: African/African-American, 5%; 100 homozygotes.

Submissions (13):

Labcorp Genetics (formerly Invitae), Labcorp
Classification: Benign for Glycogen storage disease type III. Last evaluated: 2026-02-03. Review status: criteria provided, single submitter. Criteria: Invitae Variant Classification Sherloc (09022015). Collection method: clinical testing. Allele origin: germline.

ARUP Laboratories, Molecular Genetics and Genomics, ARUP Laboratories
Classification: Likely benign. Last evaluated: 2025-06-25. Review status: criteria provided, single submitter. Criteria: ARUP Molecular Germline Variant Investigation Process 2024. Collection method: clinical testing. Allele origin: germline.

CeGaT Center for Human Genetics Tuebingen
Classification: Benign. Last evaluated: 2023-04-01. Review status: criteria provided, single submitter. Criteria: CeGaT Center For Human Genetics Tuebingen Variant Classification Criteria Version 2. Collection method: clinical testing. Allele origin: germline. Affected: yes. Observed: 3 variant alleles.
Comment: AGL: BS1, BS2

Fulgent Genetics
Classification: Benign for Glycogen storage disease type III. Last evaluated: 2022-04-21. Review status: criteria provided, single submitter. Criteria: ACMG Guidelines, 2015. Collection method: clinical testing. Allele origin: unknown.

Genome-Nilou Lab
Classification: Benign for Glycogen storage disease type III. Last evaluated: 2021-07-15. Review status: criteria provided, single submitter. Criteria: ACMG Guidelines, 2015. Collection method: clinical testing. Allele origin: germline. Affected: no.

Illumina Laboratory Services, Illumina
Classification: Benign for Glycogen storage disease type III. Last evaluated: 2019-03-07. Review status: criteria provided, single submitter. Criteria: ICSL Variant Classification Criteria 13 December 2019. Collection method: clinical testing. Allele origin: germline.
Comment: This variant was observed as part of a predisposition screen in an ostensibly healthy population. A literature search was performed for the gene, cDNA change, and amino acid change (where applicable). Publications were found based on this search. The evidence from the literature, in combination with allele frequency data from public databases where available, was sufficient to rule this variant out of causing disease. Therefore, this variant is classified as benign.

Women's Health and Genetics/Laboratory Corporation of America, LabCorp
Classification: Benign. Last evaluated: 2018-09-17. Review status: criteria provided, single submitter. Criteria: LabCorp Variant Classification Summary - May 2015. Collection method: clinical testing. Allele origin: germline.
Comment: Variant summary: AGL c.112A>G (p.Thr38Ala) results in a non-conservative amino acid change located in the Eukaryotic glycogen debranching enzyme, N-terminal domain of the encoded protein sequence. Three of five in-silico tools predict a benign effect of the variant on protein function. The variant allele was found at a frequency of 0.0049 in 277070 control chromosomes, predominantly at a frequency of 0.05 within the African subpopulation in the gnomAD database, including 17 homozygotes. The observed variant frequency within African control individuals in the gnomAD database is approximately 22-folds higher than the estimated maximal expected allele frequency for a pathogenic variant in AGL causing Glycogen Storage Disease Type III phenotype (0.0023), strongly suggesting that the variant is a benign polymorphism found primarily in populations of African origin. Four ClinVar submissions from clinical diagnostic laboratories (evaluation after 2014) cites the variant as benign. Based on the evidence outlined above, the variant was classified as benign.

GeneDx
Classification: Benign. Last evaluated: 2016-03-09. Review status: criteria provided, single submitter. Criteria: GeneDx Variant Classification (06012015). Collection method: clinical testing. Allele origin: germline. Affected: yes.
Comment: This variant is considered likely benign or benign based on one or more of the following criteria: it is a conservative change, it occurs at a poorly conserved position in the protein, it is predicted to be benign by multiple in silico algorithms, and/or has population frequency not consistent with disease.

Eurofins Ntd Llc (ga)
Classification: Benign. Last evaluated: 2015-10-02. Review status: criteria provided, single submitter. Criteria: EGL Classification Definitions 2015. Collection method: clinical testing. Allele origin: germline. Observed: 1 variant allele, 1 heterozygote.

Breakthrough Genomics
Classification: Likely benign. Review status: criteria provided, single submitter. Criteria: ACMG Guidelines, 2015. Collection method: not provided. Allele origin: germline. Inheritance: Autosomal recessive inheritance. Affected: yes.

PreventionGenetics, part of Exact Sciences
Classification: Likely benign. Review status: criteria provided, single submitter. Criteria: ACMG Guidelines, 2015. Collection method: clinical testing. Allele origin: germline.

Natera, Inc.
Classification: Benign for Glycogen storage disease type III. Last evaluated: 2020-09-16. Review status: no assertion criteria provided. Collection method: clinical testing. Allele origin: germline. Not counted in ClinVar's aggregate classification.

Mayo Clinic Laboratories, Mayo Clinic
Classification: Benign. Last evaluated: 2017-10-16. Review status: no assertion criteria provided. Collection method: clinical testing. Allele origin: unknown. Not counted in ClinVar's aggregate classification.

Literature cited by the submitters: PubMed 12442284 (cited by Illumina Laboratory Services, Illumina); PubMed 22995991 (cited by Illumina Laboratory Services, Illumina); PubMed 21228398 (cited by Illumina Laboratory Services, Illumina); PubMed 20648714 (cited by Illumina Laboratory Services, Illumina).